The following is an entry in ClinVar:

ClinVar aggregate classification (germline): Uncertain significance (1 of 4 stars; one submission).

Submission:

Women's Health and Genetics/Laboratory Corporation of America, LabCorp
Classification: Uncertain significance. Last evaluated: 2024-06-25. Review status: criteria provided, single submitter. Criteria: LabCorp Variant Classification Summary - May 2015. Collection method: clinical testing. Allele origin: germline.
Comment: Variant summary: SETD1A c.4163C>A (p.Ala1388Asp) results in a non-conservative amino acid change in the encoded protein sequence. Three of five in-silico tools predict a benign effect of the variant on protein function. The frequency data for this variant in gnomAD is considered unreliable, as metrics indicate poor data quality at this position. To our knowledge, no occurrence of c.4163C>A in individuals affected with Neurodevelopmental Disorder With Speech Impairment And Dysmorphic Facies and no experimental evidence demonstrating its impact on protein function have been reported. No submitters have cited clinical-significance assessments for this variant to ClinVar. Based on the evidence outlined above, the variant was classified as uncertain significance.

NM_014712.3(SETD1A):c.4163C>A (p.Ala1388Asp)

Gene: SETD1A (SET domain containing 1A, histone lysine methyltransferase; plus strand). Cytogenetic location: 16p11.2.
Variant type: single nucleotide variant.
Coding change: c.4163C>A on transcript NM_014712.3 (MANE Select); coding-DNA position 4163, C replaced by A.
Protein change: p.Ala1388Asp; replaces alanine 1388 with aspartic acid.
Molecular consequence: missense variant.
Genome position (GRCh38, 1-based): chr16:30,979,949, C>A. VCF-style: chr16-30979949-C-A. GRCh37 (hg19) VCF-style: chr16-30991270-C-A.
Other names: short protein forms A1388D.
Identifiers: ClinVar variation 3339807 (VCV003339807.1).
Genomic context (GRCh38, chr16:30,979,949, plus strand): 5'-AGGGGGAGGAAGAGGAGGAGGAGTCCTCTGACAGCAGCAGCAGCAGCGATGGGGAGGGCG[C>A]CCTCCGGAGGCGCAGCCTCCGCTCCCACGCCCGGCGCCGCCGCCCTCCGCCCCCACCCCC-3'
Protein context (NP_055527.1, residues 1378-1398): DSSSSSDGEG[Ala1388Asp]LRRRSLRSHA